The following is an entry in ClinVar:

ClinVar aggregate classification (germline): Conflicting classifications of pathogenicity. Review status: criteria provided, conflicting classifications (1 of 4 stars). 4 submissions from 4 submitters: Uncertain significance (3); Likely benign (1). Last evaluated 2025-10-13.

Conditions:
Hereditary cancer-predisposing syndrome. Also called: Neoplastic Syndromes, Hereditary; Hereditary neoplastic syndrome; Tumor predisposition; Hereditary Cancer Syndrome. Identifiers: Orphanet 140162, MedGen C0027672, MeSH D009386, MONDO:0015356.
Familial adenomatous polyposis 1 (FAP1). Also called: FAMILIAL ADENOMATOUS POLYPOSIS 1, ATTENUATED; POLYPOSIS, ADENOMATOUS INTESTINAL. Identifiers: MedGen C2713442, MONDO:0021056, OMIM 175100. Disease mechanism: loss of function.

Submissions (4):

Color Diagnostics, LLC DBA Color Health
Classification: Uncertain significance for Hereditary cancer-predisposing syndrome. Last evaluated: 2025-10-13. Review status: criteria provided, single submitter. Criteria: ACMG Guidelines, 2015. Collection method: clinical testing. Allele origin: germline.
Comment: This missense variant replaces alanine with valine at codon 884 of the APC protein. Computational prediction suggests that this variant may not impact protein structure and function. APC is defined as a gene for which primarily truncating variants are known to cause disease (ClinGen HCCP VCEP). To our knowledge, functional studies have not been reported for this variant. This variant has not been reported in individuals affected with APC-related disorders in the literature. This variant has not been identified in the general population by the Genome Aggregation Database (gnomAD). The available evidence is insufficient to determine the role of this variant in disease conclusively. Therefore, this variant is classified as a Variant of Uncertain Significance.

Ambry Genetics
Classification: Uncertain significance for Hereditary cancer-predisposing syndrome. Last evaluated: 2025-07-22. Review status: criteria provided, single submitter. Criteria: Ambry Variant Classification Scheme 2023. Collection method: clinical testing. Allele origin: germline.
Comment: The p.A884V variant (also known as c.2651C>T), located in coding exon 15 of the APC gene, results from a C to T substitution at nucleotide position 2651. The alanine at codon 884 is replaced by valine, an amino acid with similar properties. This amino acid position is not well conserved in available vertebrate species. In addition, in silico predictors for this gene do not accurately predict pathogenicity. Based on the available evidence, the clinical significance of this variant remains unclear.

St. Jude Molecular Pathology, St. Jude Children's Research Hospital
Classification: Uncertain significance for Familial adenomatous polyposis 1. Last evaluated: 2022-08-25. Review status: criteria provided, single submitter. Criteria: St. Jude Assertion Criteria 2020. Collection method: clinical testing. Allele origin: germline.
Comment: The APC c.2651C>T (p.Ala884Val) missense change is absent in gnomAD v2.1.1. The in silico tool REVEL predicts a benign effect on protein function, but to our knowledge this prediction has not been confirmed by functional studies. To our knowledge, this variant has not been reported in individuals with APC-related familial adenomatous polyposis. In summary, the evidence currently available is insufficient to determine the clinical significance of this variant. It has therefore been classified as of uncertain significance.

ARUP Laboratories, Molecular Genetics and Genomics, ARUP Laboratories
Classification: Likely benign. Last evaluated: 2018-03-23. Review status: criteria provided, single submitter. Criteria: ARUP Molecular Germline Variant Investigation Process. Collection method: clinical testing. Allele origin: germline.
Comment: The APC c.2651C>T; p.Ala884Val variant, to our knowledge, is not reported in the medical literature or gene specific databases. This variant is also absent from the general population databases (1000 Genomes Project, Exome Variant Server, Genome Aggregation Database), indicating it is not a common polymorphism. The alanine at codon 884 is highly conserved but computational algorithms (SIFT, PolyPhen2) predict this variant is tolerated. Furthermore, this is a missense variant and the vast majority of pathogenic APC variants are truncating nonsense or frameshift variants (see InSiGHt, Kerr 2013). Based on available information, the p.Ala884Val variant is considered likely benign. REFERENCES Link to InSiGHt. Kerr SE et al. APC germline mutations in individuals being evaluated for familial adenomatous polyposis: a review of the Mayo Clinic experience with 1591 consecutive tests. J Mol Diagn. 2013 Jan;15(1):31-43.

NM_000038.6(APC):c.2651C>T (p.Ala884Val)

Gene: APC (APC regulator of Wnt signaling pathway; plus strand). Cytogenetic location: 5q22.2.
Variant type: single nucleotide variant.
Coding change: c.2651C>T on transcript NM_000038.6 (MANE Select); coding-DNA position 2651, C replaced by T.
Protein change: p.Ala884Val; replaces alanine 884 with valine.
Molecular consequence: missense variant.
Genome position (GRCh38, 1-based): chr5:112,838,245, C>T. VCF-style: chr5-112838245-C-T. GRCh37 (hg19) VCF-style: chr5-112173942-C-T.
Other names: c.2651C>T, p.Ala884Val (NM_001127510.3, NM_001354895.2); c.2597C>T, p.Ala866Val (NM_001127511.3); c.2705C>T, p.Ala902Val (NM_001354896.2); c.2681C>T, p.Ala894Val (NM_001354897.2); c.2576C>T, p.Ala859Val (NM_001354898.2); c.2567C>T, p.Ala856Val (NM_001354899.2); c.2528C>T, p.Ala843Val (NM_001354900.2); c.2474C>T, p.Ala825Val (NM_001354901.2); and 5 more; short protein forms A866V, A884V, A894V, A724V, A825V, A902V, A601V, A758V.
Identifiers: ClinVar variation 617980 (VCV000617980.11), dbSNP rs750217875, ClinGen allele CA16027123.